The following is an entry in ClinVar:

ClinVar aggregate classification (germline): Uncertain significance (1 of 4 stars; one submission).

Submission:

Labcorp Genetics (formerly Invitae), Labcorp
Classification: Uncertain significance. Last evaluated: 2025-01-20. Review status: criteria provided, single submitter. Criteria: Invitae Variant Classification Sherloc (09022015). Collection method: clinical testing. Allele origin: germline.
Comment: This sequence change replaces proline, which is neutral and non-polar, with serine, which is neutral and polar, at codon 400 of the POLE protein (p.Pro400Ser). This variant is not present in population databases (gnomAD no frequency). This variant has not been reported in the literature in individuals affected with POLE-related conditions. Invitae Evidence Modeling of protein sequence and biophysical properties (such as structural, functional, and spatial information, amino acid conservation, physicochemical variation, residue mobility, and thermodynamic stability) indicates that this missense variant is not expected to disrupt POLE protein function with a negative predictive value of 80%. In summary, the available evidence is currently insufficient to determine the role of this variant in disease. Therefore, it has been classified as a Variant of Uncertain Significance.

NM_006231.4(POLE):c.1198C>T (p.Pro400Ser)

Gene: POLE (DNA polymerase epsilon, catalytic subunit; minus strand). Cytogenetic location: 12q24.33.
Variant type: single nucleotide variant.
Coding change: c.1198C>T on transcript NM_006231.4 (MANE Select); coding-DNA position 1198, C replaced by T.
Protein change: p.Pro400Ser; replaces proline 400 with serine.
Molecular consequence: missense variant.
Genome position (GRCh38, 1-based): chr12:132,675,426, G>A on the plus strand (C>T on the coding strand, the complement: POLE is on the minus strand). VCF-style: chr12-132675426-G-A. GRCh37 (hg19) VCF-style: chr12-133252012-G-A.
Other names: short protein forms P400S.
Identifiers: ClinVar variation 3708288 (VCV003708288.2).
Genomic context (GRCh38, chr12:132,675,426, plus strand): 5'-AGTGAGGAGCCATGCTGCTCTGTGGCCCCTACCTGAGGCAGTCCATGTGGATGCACTGGG[G>A]CGCCTTGTACTCCCCCTGGCTGTCCTTCTGGAAGCCTATCTCCTGCTGCATGCTCAGACC-3'
Protein context (NP_006222.2, residues 390-410): QKDSQGEYKA[Pro400Ser]QCIHMDCLRW